The following is an entry in ClinVar:

NM_003921.5(BCL10):c.260G>A (p.Arg87Gln)

Gene: BCL10 (BCL10 immune signaling adaptor; minus strand). Cytogenetic location: 1p22.3.
Variant type: single nucleotide variant.
Coding change: c.260G>A on transcript NM_003921.5 (MANE Select); coding-DNA position 260, G replaced by A.
Protein change: p.Arg87Gln; replaces arginine 87 with glutamine.
Molecular consequence: missense variant.
Genome position (GRCh38, 1-based): chr1:85,270,704, C>T on the plus strand (G>A on the coding strand, the complement: BCL10 is on the minus strand). VCF-style: chr1-85270704-C-T. GRCh37 (hg19) VCF-style: chr1-85736387-C-T.
Other names: c.260G>A, p.Arg87Gln (NM_001320715.2); short protein forms R87Q.
Identifiers: ClinVar variation 1003339 (VCV001003339.8), dbSNP rs187744101, ClinGen allele CA929792.
Genomic context (GRCh38, chr1:85,270,704, plus strand): 5'-CTAAGTTTCAGCACTTCATCTGTAATCTTCTGTATCAGGAAGTTCTGTGTTTTTTCTCGC[C>T]GAATAGATTCAACAAGGGTGTCCAGACCTTTTGGGTTTTCCTGTAAGTAGTCTAACAATT-3'
Protein context (NP_003912.1, residues 77-97): KGLDTLVESI[Arg87Gln]REKTQNFLIQ

ClinVar aggregate classification (germline): Uncertain significance. Review status: criteria provided, multiple submitters, no conflicts (2 of 4 stars). 2 submissions from 2 submitters: Uncertain significance (2). Last evaluated 2025-11-23.

Conditions:
Immunodeficiency 37 (IMD37). Identifiers: MedGen C4015195, MONDO:0014491, OMIM 616098.

Allele frequency attached by ClinVar (database versions not stated): TOPMed 0.00003; ESP Exome Variant Server 0.00008; ExAC 0.00009; gnomAD 0.00011; gnomAD exomes 0.00011 and 0.00012; 1000 Genomes Project 30x 0.00016; 1000 Genomes Project 0.00020.
gnomAD v4.1: 185 of 1,613,538 alleles (0.011%); highest among the groups gnomAD compares: Middle Eastern, 0.016%; no homozygotes.

Submissions (2):

Labcorp Genetics (formerly Invitae), Labcorp
Classification: Uncertain significance for Immunodeficiency 37. Last evaluated: 2025-11-23. Review status: criteria provided, single submitter. Criteria: Invitae Variant Classification Sherloc (09022015). Collection method: clinical testing. Allele origin: germline.
Comment: This sequence change replaces arginine, which is basic and polar, with glutamine, which is neutral and polar, at codon 87 of the BCL10 protein (p.Arg87Gln). This variant is present in population databases (rs187744101, gnomAD 0.07%). This variant has not been reported in the literature in individuals affected with BCL10-related conditions. ClinVar contains an entry for this variant (Variation ID: 1003339). An algorithm developed to predict the effect of missense changes on protein structure and function (PolyPhen-2) suggests that this variant is likely to be disruptive. In summary, the available evidence is currently insufficient to determine the role of this variant in disease. Therefore, it has been classified as a Variant of Uncertain Significance.

Blueprint Genetics
Classification: Uncertain significance. Last evaluated: 2024-10-03. Review status: criteria provided, single submitter. Criteria: ACMG Guidelines, 2015. Collection method: clinical testing. Allele origin: germline.